The following is an entry in ClinVar:

ClinVar aggregate classification (germline): Uncertain significance (1 of 4 stars; one submission).

Conditions:
Inborn genetic diseases. Identifiers: MedGen C0950123, MeSH D030342.

Submission:

Ambry Genetics
Classification: Uncertain significance for Inborn genetic diseases. Last evaluated: 2022-08-11. Review status: criteria provided, single submitter. Criteria: Ambry Variant Classification Scheme 2023. Collection method: clinical testing. Allele origin: germline.
Comment: The c.362_364dupTGG (p.V121dup) alteration, located in coding exon 3 of the NDUFAF6 gene, results from an in-frame duplication of 3 nucleotides at positions 362 to 364. This results in the duplication of a valine residue at codon 121. Based on data from gnomAD, this alteration has an overall frequency of 0.001% (2/249482) total alleles studied. The highest observed frequency was 0.01% (2/17978) of East Asian alleles. This amino acid position is not well conserved in available vertebrate species. This alteration is predicted to be deleterious by in silico analysis (Choi, 2012). Based on insufficient or conflicting evidence, the clinical significance of this alteration remains unclear.

NM_152416.4(NDUFAF6):c.362_364dup (p.Val121dup)

Gene: NDUFAF6 (NADH:ubiquinone oxidoreductase complex assembly factor 6; plus strand). Cytogenetic location: 8q22.1.
Variant type: Duplication.
Coding change: c.362_364dup on transcript NM_152416.4 (MANE Select); coding-DNA positions 362 to 364, 3 bases duplicated (TGG; older notation c.362_364dupTGG).
Protein change: p.Val121dup; duplicates valine 121.
Molecular consequence: inframe insertion. On other transcripts: 5 prime UTR variant (10), non-coding transcript variant (6).
Genome position (GRCh38, 1-based): chr8:95,035,518-95,035,520, TGG duplicated; duplicating any 3 consecutive bases within chr8:95,035,517-95,035,520 gives the same sequence; the c. name uses the placement nearest the transcript's 3' end. VCF-style (leftmost placement, unchanged base first): chr8-95035516-T-TGTG. GRCh37 (hg19) VCF-style: chr8-96047744-T-TGTG.
Other names: c.86_88dup, p.Val29dup (NM_001330582.2, NM_001354514.2, NM_001354515.2 and 1 more transcripts); c.206_208dup, p.Val69dup (NM_001354516.2); c.29_31dup, p.Val10dup (NM_001354517.2, NM_001354518.2, NM_001354519.2 and 1 more transcripts); c.-219_-217dup (NM_001354522.2, NM_001354529.2, NM_001354530.2 and 1 more transcripts); c.-288_-286dup (NM_001354524.2, NM_001354525.2, NM_001354528.2 and 1 more transcripts); c.-317_-315dup (NM_001354527.2, NM_001354531.2).
Identifiers: ClinVar variation 521472 (VCV000521472.5), dbSNP rs774890287, ClinGen allele CA4814753.
Genomic context (GRCh38, chr8:95,035,516, plus strand): 5'-TAAAGACTCAGTCTCTGAGAAAACAATTGGACTGATGCGAATGCAGTTTTGGAAAAAAAC[T>TGTG]GTGGAAGATATATACTGTGACAATCCACCACATCAGCCTGTGGCCATTGAACTATGGAAG-3'